The following is an entry in ClinVar:

NM_001165963.4(SCN1A):c.1603C>T (p.Arg535Cys)

Gene: SCN1A (sodium voltage-gated channel alpha subunit 1; minus strand). Cytogenetic location: 2q24.3.
Variant type: single nucleotide variant.
Coding change: c.1603C>T on transcript NM_001165963.4 (MANE Select); coding-DNA position 1603, C replaced by T.
Protein change: p.Arg535Cys; replaces arginine 535 with cysteine.
Molecular consequence: missense variant. On other transcripts: 5 prime UTR variant (1), non-coding transcript variant (1).
Genome position (GRCh38, 1-based): chr2:166,045,102, G>A on the plus strand (C>T on the coding strand, the complement: SCN1A is on the minus strand). VCF-style: chr2-166045102-G-A. GRCh37 (hg19) VCF-style: chr2-166901612-G-A.
Other names: c.1603C>T, p.Arg535Cys (NM_001165964.3, NM_001202435.3, NM_001353948.2 and 7 more transcripts); c.1600C>T, p.Arg534Cys (NM_001353954.2, NM_001353955.2, NM_001353960.2); c.-823C>T (NM_001353961.2); short protein forms R535C, R534C.
Identifiers: ClinVar variation 426565 (VCV000426565.14), dbSNP rs761062389, ClinGen allele CA1943286.

ClinVar aggregate classification (germline): Conflicting classifications of pathogenicity. Review status: criteria provided, conflicting classifications (1 of 4 stars). 3 submissions from 3 submitters: Uncertain significance (2); Likely benign (1). Last evaluated 2025-12-30.

Conditions:
Early-infantile DEE. Also called: Ohtahara syndrome; Early infantile epileptic encephalopathy; Early infantile epileptic encephalopathy with suppression bursts. Identifiers: Orphanet 1934, MedGen C0393706, MONDO:0800491.

Allele frequency attached by ClinVar (database versions not stated): gnomAD 0.00001; TOPMed 0.00001; gnomAD exomes 0.00002; ExAC 0.00003.
gnomAD v4.1: 18 of 1,614,038 alleles (0.0011%); highest among the groups gnomAD compares: African/African-American, 0.0013%; no homozygotes.

Submissions (3):

Labcorp Genetics (formerly Invitae), Labcorp
Classification: Likely benign for Early-infantile DEE. Last evaluated: 2025-12-30. Review status: criteria provided, single submitter. Criteria: Invitae Variant Classification Sherloc (09022015). Collection method: clinical testing. Allele origin: germline.

GeneDx
Classification: Uncertain significance. Last evaluated: 2021-11-02. Review status: criteria provided, single submitter. Criteria: GeneDx Variant Classification Process June 2021. Collection method: clinical testing. Allele origin: germline. Affected: yes.
Comment: Previously reported in an individual with idiopathic epilepsy; however additional clinical information and parental studies were not reported (Kozhanova et al., 2016); In silico analysis supports that this missense variant has a deleterious effect on protein structure/function; Missense variants in this gene are often considered pathogenic (Stenson et al., 2014); This substitution is predicted to be in the cytoplasmic loop between the first and second homologous domains; This variant is associated with the following publications: (PMID: 18804930, 28005047)

Blueprint Genetics
Classification: Uncertain significance. Last evaluated: 2018-12-13. Review status: criteria provided, single submitter. Criteria: ACMG Guidelines, 2015. Collection method: clinical testing. Allele origin: germline.